The following is an entry in ClinVar:

ClinVar aggregate classification (germline): Conflicting classifications of pathogenicity. Review status: criteria provided, conflicting classifications (1 of 4 stars). 2 submissions from 2 submitters: Likely pathogenic (1); Uncertain significance (1). Last evaluated 2025-03-14.

Conditions:
Monogenic hearing loss.

gnomAD v4.1: 14 of 1,550,252 alleles (0.0009%); highest among the groups gnomAD compares: Non-Finnish European, 0.0012%; no homozygotes.

Submissions (2):

North West Genomic Laboratory Hub, Manchester University NHS Foundation Trust
Classification: Likely pathogenic for Monogenic hearing loss. Last evaluated: 2025-03-14. Review status: criteria provided, single submitter. Criteria: ACGS Best Practice Guidelines for Variant Classification in Rare Disease 2024. Collection method: clinical testing. Allele origin: germline. Affected: yes.
Comment: PM3_Mod PVS1_Str PM2_Mod

Blueprint Genetics
Classification: Uncertain significance. Last evaluated: 2023-07-06. Review status: criteria provided, single submitter. Criteria: ACMG Guidelines, 2015. Collection method: clinical testing. Allele origin: germline.

NM_001384474.1(LOXHD1):c.6120C>T (p.Gly2040=)

Gene: LOXHD1 (lipoxygenase homology PLAT domains 1; minus strand). Cytogenetic location: 18q21.1.
Variant type: single nucleotide variant.
Coding change: c.6120C>T on transcript NM_001384474.1 (MANE Select); coding-DNA position 6120, C replaced by T.
Protein change: p.Gly2040=; no amino-acid change (glycine 2040 retained).
Molecular consequence: synonymous variant.
Genome position (GRCh38, 1-based): chr18:46,485,081, G>A on the plus strand (C>T on the coding strand, the complement: LOXHD1 is on the minus strand). VCF-style: chr18-46485081-G-A. GRCh37 (hg19) VCF-style: chr18-44065044-G-A.
Other names: c.2787C>T, p.Gly929= (NM_001145472.3); c.837C>T, p.Gly279= (NM_001145473.3, NM_001173129.2); c.2499C>T, p.Gly833= (NM_001308013.2); c.5934C>T, p.Gly1978= (NM_144612.7).
Identifiers: ClinVar variation 4887051 (VCV004887051.2).